The following is an entry in ClinVar:

ClinVar aggregate classification (germline): Uncertain significance (1 of 4 stars; one submission).

Conditions:
EP300-related disorder. Also called: EP300-related condition; EP300-related disorders.

Submission:

PreventionGenetics, part of Exact Sciences
Classification: Uncertain significance for EP300-related condition. Last evaluated: 2025-11-24. Review status: criteria provided, single submitter. Criteria: ACMG Guidelines, 2015. Collection method: clinical testing. Allele origin: germline.
Comment: The EP300 c.3463C>G variant is predicted to result in the amino acid substitution p.Pro1155Ala. To our knowledge, this variant has not been reported in the literature or in a large population database (gnomAD), indicating this variant is rare. At this time, the clinical significance of this variant is uncertain due to the absence of conclusive functional and genetic evidence.

NM_001429.4(EP300):c.3463C>G (p.Pro1155Ala)

Gene: EP300 (EP300 lysine acetyltransferase; plus strand). Cytogenetic location: 22q13.2.
Variant type: single nucleotide variant.
Coding change: c.3463C>G on transcript NM_001429.4 (MANE Select); coding-DNA position 3463, C replaced by G.
Protein change: p.Pro1155Ala; replaces proline 1155 with alanine.
Molecular consequence: missense variant.
Genome position (GRCh38, 1-based): chr22:41,157,370, C>G. VCF-style: chr22-41157370-C-G. GRCh37 (hg19) VCF-style: chr22-41553374-C-G.
Other names: c.3385C>G, p.Pro1129Ala (NM_001362843.2); short protein forms P1129A, P1155A.
Identifiers: ClinVar variation 4985295 (VCV004985295.1).